The following is an entry in ClinVar:

ClinVar aggregate classification (germline): Uncertain significance. Review status: criteria provided, multiple submitters, no conflicts (2 of 4 stars). 5 submissions from 4 submitters: Uncertain significance (5). Last evaluated 2025-04-11.

Conditions:
Atrichia with papular lesions (APL). Also called: PAPULAR ATRICHIA. Identifiers: Orphanet 86819, MedGen C1859592, MONDO:0008847, OMIM 209500.
Inborn genetic diseases. Identifiers: MedGen C0950123, MeSH D030342.
Alopecia universalis congenita (ALUNC). Also called: ATRICHIA, GENERALIZED. Identifiers: Orphanet 701, MedGen C1859877, MONDO:0008757, OMIM 203655.

Allele frequency attached by ClinVar (database versions not stated): gnomAD exomes 0.00012 and 0.00051; ExAC 0.00016; gnomAD 0.00018 and 0.00019; TOPMed 0.00021; ESP Exome Variant Server 0.00054.
gnomAD v4.1: 756 of 1,613,642 alleles (0.047%); highest among the groups gnomAD compares: Non-Finnish European, 0.062%; no homozygotes.

Submissions (5):

Ambry Genetics
Classification: Uncertain significance for Inborn genetic diseases. Last evaluated: 2025-04-11. Review status: criteria provided, single submitter. Criteria: Ambry Variant Classification Scheme 2023. Collection method: clinical testing. Allele origin: germline.

Labcorp Genetics (formerly Invitae), Labcorp
Classification: Uncertain significance. Last evaluated: 2025-04-11. Review status: criteria provided, single submitter. Criteria: Invitae Variant Classification Sherloc (09022015). Collection method: clinical testing. Allele origin: germline.
Comment: This sequence change replaces leucine, which is neutral and non-polar, with arginine, which is basic and polar, at codon 490 of the HR protein (p.Leu490Arg). This variant is present in population databases (rs138006057, gnomAD 0.03%). This variant has not been reported in the literature in individuals affected with HR-related conditions. ClinVar contains an entry for this variant (Variation ID: 912163). An algorithm developed to predict the effect of missense changes on protein structure and function (PolyPhen-2) suggests that this variant is likely to be tolerated. In summary, the available evidence is currently insufficient to determine the role of this variant in disease. Therefore, it has been classified as a Variant of Uncertain Significance.

Illumina Laboratory Services, Illumina
Classification: Uncertain significance for Atrichia with papular lesions. Last evaluated: 2017-04-27. Review status: criteria provided, single submitter. Criteria: ICSL Variant Classification Criteria 13 December 2019. Collection method: clinical testing. Allele origin: germline.

Illumina Laboratory Services, Illumina
Classification: Uncertain significance for Alopecia universalis congenita. Last evaluated: 2017-04-27. Review status: criteria provided, single submitter. Criteria: ICSL Variant Classification Criteria 13 December 2019. Collection method: clinical testing. Allele origin: germline.

Breakthrough Genomics
Classification: Uncertain significance. Review status: criteria provided, single submitter. Criteria: ACMG Guidelines, 2015. Collection method: not provided. Allele origin: germline. Inheritance: Autosomal recessive inheritance. Affected: yes.

NM_005144.5(HR):c.1469T>G (p.Leu490Arg)

Gene: HR (HR lysine demethylase and nuclear receptor corepressor; minus strand). Cytogenetic location: 8p21.3.
Variant type: single nucleotide variant.
Coding change: c.1469T>G on transcript NM_005144.5 (MANE Select); coding-DNA position 1469, T replaced by G.
Protein change: p.Leu490Arg; replaces leucine 490 with arginine.
Molecular consequence: missense variant.
Genome position (GRCh38, 1-based): chr8:22,125,669, A>C on the plus strand (T>G on the coding strand, the complement: HR is on the minus strand). VCF-style: chr8-22125669-A-C. GRCh37 (hg19) VCF-style: chr8-21983182-A-C.
Other names: c.1469T>G, p.Leu490Arg (NM_018411.4); short protein forms L490R.
Identifiers: ClinVar variation 912163 (VCV000912163.9), dbSNP rs138006057, ClinGen allele CA4662451.